The following is an entry in ClinVar:

ClinVar aggregate classification (germline): Likely pathogenic. Review status: criteria provided, multiple submitters, no conflicts (2 of 4 stars). 3 submissions from 3 submitters: Likely pathogenic (3). Last evaluated 2026-08-21.

Conditions:
Endometrial carcinoma. Also called: Endometrial carcinoma, somatic. Identifiers: MedGen C0476089, MONDO:0002447, OMIM 608089, HP:0012114.
Hereditary cancer-predisposing syndrome. Also called: Hereditary neoplastic syndrome; Hereditary Cancer Syndrome; Neoplastic Syndromes, Hereditary; Tumor predisposition. Identifiers: Orphanet 140162, MedGen C0027672, MeSH D009386, MONDO:0015356.
Familial adenomatous polyposis 4 (FAP4). Also called: MSH3-related attenuated familial adenomatous polyposis. Identifiers: Orphanet 480536, MedGen C4310719, MONDO:0044300, OMIM 617100.

Submissions (3):

Ambry Genetics
Classification: Likely pathogenic for Hereditary cancer-predisposing syndrome. Last evaluated: 2026-08-21. Review status: criteria provided, single submitter. Criteria: Ambry Variant Classification Scheme 2023. Collection method: clinical testing. Allele origin: germline.
Comment: The c.1653+2T>A intronic variant results from a T to A substitution two nucleotides after coding exon 11 in the MSH3 gene. This variant is considered to be rare based on population cohorts in the Genome Aggregation Database (gnomAD). This nucleotide position is highly conserved in available vertebrate species. In silico splice site analysis predicts that this alteration will weaken the native splice donor site. RNA studies have demonstrated that this variant results in abnormal splicing in the set of samples tested (Ambry internal data). Variants that disrupt the canonical splice site are expected to cause aberrant splicing, resulting in an abnormal protein or a transcript that is subject to nonsense-mediated mRNA decay. As such, this variant is classified as likely pathogenic.

Myriad Genetics, Inc.
Classification: Likely pathogenic for Familial adenomatous polyposis 4. Last evaluated: 2025-12-08. Review status: criteria provided, single submitter. Criteria: Myriad Autosomal Dominant, Autosomal Recessive and X-Linked Classification Criteria (2023). Collection method: clinical testing. Allele origin: unknown.
Comment: This variant is considered likely pathogenic. This variant occurs within a consensus splice junction and is predicted to result in abnormal mRNA splicing of either an out-of-frame exon or an in-frame exon necessary for protein stability and/or normal function.

Baylor Genetics
Classification: Likely pathogenic for Endometrial carcinoma. Last evaluated: 2022-11-11. Review status: criteria provided, single submitter. Criteria: ACMG Guidelines, 2015. Collection method: clinical testing. Allele origin: unknown.

NM_002439.5(MSH3):c.1653+2T>A

Gene: MSH3 (mutS homolog 3; plus strand). Cytogenetic location: 5q14.1.
Variant type: single nucleotide variant.
Coding change: c.1653+2T>A on transcript NM_002439.5 (MANE Select); the canonical splice donor site of the intron after coding-DNA position 1653, T replaced by A.
Molecular consequence: splice donor variant.
Genome position (GRCh38, 1-based): chr5:80,741,550, T>A. VCF-style: chr5-80741550-T-A. GRCh37 (hg19) VCF-style: chr5-80037369-T-A.
Other names: c.1653+2T>A (NM_002439.3).
Identifiers: ClinVar variation 2676776 (VCV002676776.3), dbSNP rs2546760509, ClinGen allele CA360274607.